The following is an entry in ClinVar:

ClinVar aggregate classification (germline): Uncertain significance (1 of 4 stars; one submission).

Allele frequency attached by ClinVar (database versions not stated): gnomAD exomes below 0.00001.

Submission:

Labcorp Genetics (formerly Invitae), Labcorp
Classification: Uncertain significance. Last evaluated: 2022-06-27. Review status: criteria provided, single submitter. Criteria: Invitae Variant Classification Sherloc (09022015). Collection method: clinical testing. Allele origin: germline.
Comment: In summary, the available evidence is currently insufficient to determine the role of this variant in disease. Therefore, it has been classified as a Variant of Uncertain Significance. Experimental studies and prediction algorithms are not available or were not evaluated, and the functional significance of this variant is currently unknown. This variant has not been reported in the literature in individuals affected with SLC9A3-related conditions. This variant is not present in population databases (gnomAD no frequency). This sequence change affects the initiator methionine of the SLC9A3 mRNA. The next in-frame methionine is located at codon 131.

NM_004174.4(SLC9A3):c.1A>G (p.Met1Val)

Gene: SLC9A3 (solute carrier family 9 member A3). Cytogenetic location: 5p15.33.
Variant type: single nucleotide variant.
Coding change: c.1A>G on transcript NM_004174.4 (MANE Select); coding-DNA position 1, A replaced by G.
Protein change: p.Met1Val; changes the start codon (methionine 1).
Molecular consequence: missense variant, initiator codon variant.
Genome position (GRCh38, 1-based): chr5:524,322, T>C on the plus strand (A>G on the coding strand, the complement: SLC9A3 is on the minus strand). VCF-style: chr5-524322-T-C. GRCh37 (hg19) VCF-style: chr5-524437-T-C.
Other names: c.1A>G, p.Met1Val (NM_001284351.3); short protein forms M1V.
Identifiers: ClinVar variation 1495659 (VCV001495659.9), dbSNP rs2126665147, ClinGen allele CA359018878.